The following is an entry in ClinVar:

ClinVar aggregate classification (germline): Conflicting classifications of pathogenicity. Review status: criteria provided, conflicting classifications (1 of 4 stars). 6 submissions from 6 submitters: Uncertain significance (2); Likely benign (3). 1 of the submissions does not count toward it. Last evaluated 2025-12-07.

Conditions:
DYSF-related disorder. Also called: DYSF-related disorders; DYSF-related condition.
Neuromuscular disease caused by qualitative or quantitative defects of dysferlin. Also called: Qualitative or quantitative defects of dysferlin; Dysferlinopathy. Identifiers: Orphanet 207073, MedGen C2931687, MONDO:0016145.
Autosomal recessive limb-girdle muscular dystrophy type 2B (LGMDR2). Also called: Limb-Girdle Muscular Dystrophy Type 2B (LGMD2B); MUSCULAR DYSTROPHY, LIMB-GIRDLE, AUTOSOMAL RECESSIVE 2; MUSCULAR DYSTROPHY, LIMB-GIRDLE, TYPE 3; Limb-girdle muscular dystrophy, type 2B. Identifiers: Orphanet 268, MedGen C1850889, MONDO:0009676, OMIM 253601.

Allele frequency attached by ClinVar (database versions not stated): ESP Exome Variant Server 0.00008; gnomAD 0.00014 and 0.00016; TOPMed 0.00029; 1000 Genomes Project 30x 0.00078; 1000 Genomes Project 0.00080.
gnomAD v4.1: 107 of 1,612,522 alleles (0.0066%); highest among the groups gnomAD compares: East Asian, 0.085%; no homozygotes.

Submissions (6):

Labcorp Genetics (formerly Invitae), Labcorp
Classification: Likely benign for Neuromuscular disease caused by qualitative or quantitative defects of dysferlin. Last evaluated: 2025-12-07. Review status: criteria provided, single submitter. Criteria: Invitae Variant Classification Sherloc (09022015). Collection method: clinical testing. Allele origin: germline.

PreventionGenetics, part of Exact Sciences
Classification: Likely benign for DYSF-related condition. Last evaluated: 2025-07-25. Review status: criteria provided, single submitter. Criteria: ACMG Guidelines, 2015. Collection method: clinical testing. Allele origin: germline.
Comment: This variant is classified as likely benign based on ACMG/AMP sequence variant interpretation guidelines (Richards et al. 2015 PMID: 25741868, with internal and published modifications).

Blueprint Genetics
Classification: Likely benign. Last evaluated: 2024-03-08. Review status: criteria provided, single submitter. Criteria: ACMG Guidelines, 2015. Collection method: clinical testing. Allele origin: germline.

Revvity Omics, Revvity
Classification: Uncertain significance. Last evaluated: 2020-07-07. Review status: criteria provided, single submitter. Criteria: ACMG Guidelines, 2015. Collection method: clinical testing. Allele origin: germline.

Eurofins Ntd Llc (ga)
Classification: Uncertain significance. Last evaluated: 2017-01-03. Review status: criteria provided, single submitter. Criteria: EGL Classification Definitions 2015. Collection method: clinical testing. Allele origin: germline. Observed: 1 variant allele, 1 heterozygote.

Natera, Inc.
Classification: Likely benign for Limb-girdle muscular dystrophy type 2B. Last evaluated: 2020-02-10. Review status: no assertion criteria provided. Collection method: clinical testing. Allele origin: germline. Not counted in ClinVar's aggregate classification.

NM_001130987.2(DYSF):c.4389C>T (p.Asp1463=)

Gene: DYSF (dysferlin; plus strand). Cytogenetic location: 2p13.2.
Variant type: single nucleotide variant.
Coding change: c.4389C>T on transcript NM_001130987.2 (MANE Select); coding-DNA position 4389, C replaced by T.
Protein change: p.Asp1463=; no amino-acid change (aspartic acid 1463 retained).
Molecular consequence: synonymous variant.
Genome position (GRCh38, 1-based): chr2:71,613,335, C>T. VCF-style: chr2-71613335-C-T. GRCh37 (hg19) VCF-style: chr2-71840465-C-T.
Other names: c.4338C>T, p.Asp1446= (NM_001130455.2, NM_001130983.2); c.4293C>T, p.Asp1431= (NM_001130976.2, NM_001130977.2); c.4335C>T, p.Asp1445= (NM_001130978.2, NM_003494.4); c.4428C>T, p.Asp1476= (NM_001130979.2); c.4386C>T, p.Asp1462= (NM_001130980.2, NM_001130981.2); c.4431C>T, p.Asp1477= (NM_001130982.2); c.4296C>T, p.Asp1432= (NM_001130984.2, NM_001130986.2); c.4389C>T, p.Asp1463= (NM_001130985.2).
Identifiers: ClinVar variation 499022 (VCV000499022.20), dbSNP rs61746816, ClinGen allele CA1706997.
Genomic context (GRCh38, chr2:71,613,335, plus strand): 5'-TGAGGGGCGAGCCTTTTGAGAGAGCCCCTCTCAGGCCTGGATGGCTCCCTCCCCTGCAGA[C>T]GATGTGAGCCTACTCAGTCCTGGGGAAGACGTGCTCATCGACATTGATGACAAGGAGCCC-3'
Protein context (NP_001124459.1, residues 1453-1473): AESPSPQGGP[Asp1463=]DVSLLSPGED